The following is an entry in ClinVar:

ClinVar aggregate classification (germline): Uncertain significance (1 of 4 stars; one submission).

Conditions:
Familial thoracic aortic aneurysm and aortic dissection (TAAD). Also called: Thoracic aortic aneurysms and dissections. Identifiers: Orphanet 91387, MedGen C4707243, MONDO:0019625.

Submission:

Color Diagnostics, LLC DBA Color Health
Classification: Uncertain significance for Familial thoracic aortic aneurysm and aortic dissection. Last evaluated: 2024-03-06. Review status: criteria provided, single submitter. Criteria: ACMG Guidelines, 2015. Collection method: clinical testing. Allele origin: germline.
Comment: This variant causes an in-frame deletion and insertion of three nucleotides replacing valine with glycine at codon 415 of the MYH11 protein. Computational prediction suggests that this variant may have deleterious impact on protein structure and function (internally defined REVEL score threshold >= 0.7, PMID: 27666373). To our knowledge, functional studies have not been reported for this variant. This variant has not been reported in individuals affected with cardiovascular disorders in the literature. This variant has not been identified in the general population by the Genome Aggregation Database (gnomAD). The available evidence is insufficient to determine the role of this variant in disease conclusively. Therefore, this variant is classified as a Variant of Uncertain Significance.

NM_002474.3(MYH11):c.1221_1223delinsTGG (p.Val408Gly)

Gene: MYH11 (myosin heavy chain 11; minus strand). Cytogenetic location: 16p13.11.
Variant type: Indel.
Coding change: c.1221_1223delinsTGG on transcript NM_002474.3 (MANE Select); coding-DNA positions 1221 to 1223, GGT replaced by TGG.
Protein change: p.Val408Gly; replaces valine 408 with glycine.
Molecular consequence: missense variant.
Genome position (GRCh38, 1-based): chr16:15,760,565-15,760,567, ACC replaced by CCA on the plus strand (GGT replaced by TGG on the coding strand, the reverse complement: MYH11 is on the minus strand). VCF-style: chr16-15760565-ACC-CCA. GRCh37 (hg19) VCF-style: chr16-15854422-ACC-CCA.
Other names: c.1242_1244delinsTGG, p.Val415Gly (NM_001040113.2, NM_001040114.2); c.1221_1223delinsTGG, p.Val408Gly (NM_022844.3); short protein forms V408G, V415G.
Identifiers: ClinVar variation 1171475 (VCV001171475.3), dbSNP rs2151278572, ClinGen allele CA2499223247.